The following is an entry in ClinVar:

NM_178138.6(LHX3):c.*185T>A

Gene: LHX3 (LIM homeobox 3; minus strand). Cytogenetic location: 9q34.3.
Variant type: single nucleotide variant.
Coding change: c.*185T>A on transcript NM_178138.6 (MANE Select); 185 bases downstream of the stop codon, T replaced by A.
Molecular consequence: 3 prime UTR variant.
Genome position (GRCh38, 1-based): chr9:136,197,140, A>T on the plus strand (T>A on the coding strand, the complement: LHX3 is on the minus strand). VCF-style: chr9-136197140-A-T. GRCh37 (hg19) VCF-style: chr9-139088986-A-T.
Other names: c.*185T>A (NM_001363746.1, NM_014564.5).
Identifiers: ClinVar variation 365809 (VCV000365809.6), dbSNP rs144976921, ClinGen allele CA10626878.

ClinVar aggregate classification (germline): Benign. Review status: criteria provided, multiple submitters, no conflicts (2 of 4 stars). 2 submissions from 2 submitters: Benign (2). Last evaluated 2018-01-12.

Conditions:
Non-acquired combined pituitary hormone deficiency with spine abnormalities (CPHD3). Also called: Winkelman Bethge Pfeiffer syndrome; WBP syndrome; Combined pituitary hormone deficiency type 3. Identifiers: Orphanet 231720, MedGen C3489787, MONDO:0009091, OMIM 221750.

Allele frequency attached by ClinVar (database versions not stated): gnomAD 0.00202 and 0.00562; TOPMed 0.00424; gnomAD exomes 0.01392; 1000 Genomes Project 30x 0.03029; 1000 Genomes Project 0.03055.

Submissions (2):

Illumina Laboratory Services, Illumina
Classification: Benign for Non-acquired combined pituitary hormone deficiency with spine abnormalities. Last evaluated: 2018-01-12. Review status: criteria provided, single submitter. Criteria: ICSL Variant Classification Criteria 13 December 2019. Collection method: clinical testing. Allele origin: germline.
Comment: This variant was observed in the ICSL laboratory as part of a predisposition screen in an ostensibly healthy population. It had not been previously curated by ICSL or reported in the Human Gene Mutation Database (HGMD: prior to June 1st, 2018), and was therefore a candidate for classification through an automated scoring system. Utilizing variant allele frequency, disease prevalence and penetrance estimates, and inheritance mode, an automated score was calculated to assess if this variant is too frequent to cause the disease. Based on the score and internal cut-off values, a variant classified as benign is not then subjected to further curation. The score for this variant resulted in a classification of benign for this disease.

Breakthrough Genomics
Classification: Benign. Review status: criteria provided, single submitter. Criteria: ACMG Guidelines, 2015. Collection method: not provided. Allele origin: germline. Inheritance: Autosomal recessive inheritance. Affected: yes.